The following is an entry in ClinVar:

NM_002615.7(SERPINF1):c.77dup (p.Glu27fs)

Gene: SERPINF1 (serpin family F member 1; plus strand). Cytogenetic location: 17p13.3.
Variant type: Duplication.
Coding change: c.77dup on transcript NM_002615.7 (MANE Select); coding-DNA position 77, one base duplicated (C; older notation c.77dupC).
Protein change: p.Glu27fs; shifts the reading frame from glutamic acid 27.
Molecular consequence: frameshift variant. On other transcripts: intron variant (1).
Genome position (GRCh38, 1-based): chr17:1,766,987, C duplicated; the last of 6 consecutive C bases (chr17:1,766,982-1,766,987); duplicating any one gives the same sequence. VCF-style (leftmost placement, unchanged base first): chr17-1766981-G-GC. GRCh37 (hg19) VCF-style: chr17-1670275-G-GC.
Other names: p.Glu27GlyfsTer38; c.77dup, p.Glu27fs (NM_001329903.2); c.-477-2865dup (NM_001329904.2); short protein forms E27fs.
Identifiers: ClinVar variation 1342706 (VCV001342706.5), dbSNP rs1272920425, ClinGen allele CA624473415.

ClinVar aggregate classification (germline): Pathogenic. Review status: criteria provided, multiple submitters, no conflicts (2 of 4 stars). 2 submissions from 2 submitters: Pathogenic (2). Last evaluated 2021-09-27.

Conditions:
Osteogenesis imperfecta type 6. Also called: Osteogenesis imperfecta, type VI. Identifiers: Orphanet 666, MedGen C3279564, MONDO:0013515, OMIM 613982.

Submissions (2):

Foundation for Research in Genetics and Endocrinology, FRIGE's Institute of Human Genetics
Classification: Pathogenic for Osteogenesis imperfecta type 6. Last evaluated: 2021-09-27. Review status: criteria provided, single submitter. Criteria: ACMG Guidelines, 2015. Collection method: clinical testing. Allele origin: germline. Inheritance: Autosomal recessive inheritance. Affected: yes. Observed: 1 heterozygote.
Comment: A heterozygous single base-pair duplication in exon 2 of the SERPINF1 gene that results in a frameshift and premature truncation of protein 38 amino acids downstream to codon 27 was detected. The observed variant c.77dup (p.Glu27GlyfsTer38) has not been reported in the 1000 genomes and gnomAD database. The variant has previously been reported in patients affected with osteogenesis imperfecta (Li et al. 2020). The in silico prediction of the variant is damaging by MutationTaster2. The reference codon is conserved across primates. In summary, the variant meets our criteria to be classified as a pathogenic variant.

Juno Genomics, Hangzhou Juno Genomics, Inc
Classification: Pathogenic for Osteogenesis imperfecta type 6. Review status: criteria provided, single submitter. Criteria: ACMG Guidelines, 2015. Collection method: clinical testing. Allele origin: germline.
Comment: Absent from controls (or at extremely low frequency if recessive) in Genome Aggregation Database.;Null variant in a gene where loss of function (LOF) is a known mechanism of disease.;For recessive disorders, detected in trans with a pathogenic variant.